The following is an entry in ClinVar:

NM_012210.4(TRIM32):c.925A>G (p.Met309Val)

Genes: ASTN2 (astrotactin 2; minus strand), TRIM32 (tripartite motif containing 32; plus strand). Cytogenetic location: 9q33.1.
Variant type: single nucleotide variant.
Coding change: c.925A>G on transcript NM_012210.4 (MANE Select); coding-DNA position 925, A replaced by G.
Protein change: p.Met309Val; replaces methionine 309 with valine.
Molecular consequence: missense variant. On other transcripts: intron variant (3).
Genome position (GRCh38, 1-based): chr9:116,698,667, A>G. VCF-style: chr9-116698667-A-G. GRCh37 (hg19) VCF-style: chr9-119460946-A-G.
Other names: c.925A>G, p.Met309Val (NM_001099679.2, NM_001379048.1, NM_001379049.1 and 1 more transcripts); c.2653+27104T>C (NM_014010.5); c.2794+27104T>C (NM_001365069.1); c.2806+27104T>C (NM_001365068.1); short protein forms M309V.
Identifiers: ClinVar variation 1426585 (VCV001426585.7), dbSNP rs1861013304, ClinGen allele CA374650381.

ClinVar aggregate classification (germline): Uncertain significance. Review status: criteria provided, multiple submitters, no conflicts (2 of 4 stars). 2 submissions from 2 submitters: Uncertain significance (2). Last evaluated 2026-08-07.

Conditions:
TRIM32-related disorder. Also called: TRIM32-related condition.
Bardet-Biedl syndrome (BBS). Identifiers: Orphanet 110, MedGen C0752166, MONDO:0015229.

Submissions (2):

PreventionGenetics, part of Exact Sciences
Classification: Uncertain significance for TRIM32-related condition. Last evaluated: 2026-08-07. Review status: criteria provided, single submitter. Criteria: ACMG Guidelines, 2015. Collection method: clinical testing. Allele origin: germline.
Comment: The TRIM32 c.925A>G variant is predicted to result in the amino acid substitution p.Met309Val. To our knowledge, this variant has not been reported in the literature or in a large population database (gnomAD), indicating this variant is rare. At this time, the clinical significance of this variant is uncertain due to the absence of conclusive functional and genetic evidence.

Labcorp Genetics (formerly Invitae), Labcorp
Classification: Uncertain significance for Bardet-Biedl syndrome. Last evaluated: 2025-07-28. Review status: criteria provided, single submitter. Criteria: Invitae Variant Classification Sherloc (09022015). Collection method: clinical testing. Allele origin: germline.
Comment: This sequence change replaces methionine, which is neutral and non-polar, with valine, which is neutral and non-polar, at codon 309 of the TRIM32 protein (p.Met309Val). This variant is not present in population databases (gnomAD no frequency). This variant has not been reported in the literature in individuals affected with TRIM32-related conditions. ClinVar contains an entry for this variant (Variation ID: 1426585). An algorithm developed to predict the effect of missense changes on protein structure and function outputs the following: PolyPhen-2: "Benign". The valine amino acid residue is found in multiple mammalian species, which suggests that this missense change does not adversely affect protein function. In summary, the available evidence is currently insufficient to determine the role of this variant in disease. Therefore, it has been classified as a Variant of Uncertain Significance.